The following is an entry in ClinVar:

NM_001077365.2(POMT1):c.1917_1918del (p.Phe640fs)

Gene: POMT1 (protein O-mannosyltransferase 1; plus strand). Cytogenetic location: 9q34.13.
Variant type: Microsatellite.
Coding change: c.1917_1918del on transcript NM_001077365.2 (MANE Select); coding-DNA positions 1917 to 1918, 2 bases deleted (CT; older notation c.1917_1918delCT).
Protein change: p.Phe640fs; shifts the reading frame from phenylalanine 640.
Molecular consequence: frameshift variant. On other transcripts: non-coding transcript variant (10).
Genome position (GRCh38, 1-based): chr9:131,522,138-131,522,139, CT deleted; deleting any 2 consecutive bases within chr9:131,522,136-131,522,139 gives the same sequence; the c. name uses the placement nearest the transcript's 3' end. VCF-style (leftmost placement, unchanged base first): chr9-131522135-ACT-A. GRCh37 (hg19) VCF-style: chr9-134397522-ACT-A.
Other names: c.1755_1756del, p.Phe586fs (NM_001077366.2, NM_001353194.2); c.1917_1918del, p.Phe640fs (NM_001136113.2); c.1566_1567del, p.Phe523fs (NM_001136114.2, NM_001353195.2, NM_001374691.1 and 2 more transcripts); c.1983_1984del, p.Phe662fs (NM_001353193.2, NM_007171.4); c.1827_1828del, p.Phe610fs (NM_001353196.2); c.1821_1822del, p.Phe608fs (NM_001353197.2, NM_001353198.2); c.1632_1633del, p.Phe545fs (NM_001353199.2); c.1461_1462del, p.Phe488fs (NM_001353200.2); and 4 more; short protein forms F510fs, F610fs, F545fs, F567fs, F586fs, F640fs, F263fs, F488fs.
Identifiers: ClinVar variation 2930540 (VCV002930540.3), dbSNP rs2539476380, ClinGen allele CA2579545778.

ClinVar aggregate classification (germline): Pathogenic (1 of 4 stars; one submission).

Conditions:
Walker-Warburg congenital muscular dystrophy. Also called: Muscular dystrophy-dystroglycanopathy, type A; Walker-Warburg syndrome. Identifiers: Orphanet 899, MedGen C0265221, MONDO:0000171.
Muscular dystrophy-dystroglycanopathy (congenital with impaired intellectual development), type B, 1. Also called: MUSCULAR DYSTROPHY, CONGENITAL, POMT1-RELATED; Muscular dystrophy-dystroglycanopathy (congenital with intellectual disability), type B1. Identifiers: MedGen C5436962, MONDO:0013159, OMIM 613155.
Autosomal recessive limb-girdle muscular dystrophy type 2K. Also called: MUSCULAR DYSTROPHY-DYSTROGLYCANOPATHY (LIMB-GIRDLE), TYPE C, 1; MUSCULAR DYSTROPHY, LIMB-GIRDLE, TYPE 2K. Identifiers: Orphanet 86812, MedGen C1836373, MONDO:0012248, OMIM 609308.

Submission:

Labcorp Genetics (formerly Invitae), Labcorp
Classification: Pathogenic for Muscular dystrophy-dystroglycanopathy (congenital with impaired intellectual development), type B, 1; Walker-Warburg congenital muscular dystrophy; Autosomal recessive limb-girdle muscular dystrophy type 2K. Last evaluated: 2023-12-05. Review status: criteria provided, single submitter. Criteria: Invitae Variant Classification Sherloc (09022015). Collection method: clinical testing. Allele origin: germline.
Comment: This sequence change creates a premature translational stop signal (p.Phe662Profs*68) in the POMT1 gene. While this is not anticipated to result in nonsense mediated decay, it is expected to disrupt the last 86 amino acid(s) of the POMT1 protein. This variant is not present in population databases (gnomAD no frequency). This variant has not been reported in the literature in individuals affected with POMT1-related conditions. Algorithms developed to predict the effect of sequence changes on RNA splicing suggest that this variant may disrupt the consensus splice site. This variant disrupts a region of the POMT1 protein in which other variant(s) (p.Trp736*) have been determined to be pathogenic (PMID: 22499106, 27193224). This suggests that this is a clinically significant region of the protein, and that variants that disrupt it are likely to be disease-causing. For these reasons, this variant has been classified as Pathogenic.

Literature cited by the submitters: PubMed 22499106; PubMed 27193224.